The following is an entry in ClinVar:

NM_001379291.1(BRD4):c.2158+499G>A

Gene: BRD4 (bromodomain containing 4; minus strand). Cytogenetic location: 19p13.12.
Variant type: single nucleotide variant.
Coding change: c.2158+499G>A on transcript NM_001379291.1 (MANE Select); 499 bases into the intron after coding-DNA position 2158, G replaced by A.
Molecular consequence: intron variant. On other transcripts: synonymous variant (1).
Genome position (GRCh38, 1-based): chr19:15,253,653, C>T on the plus strand (G>A on the coding strand, the complement: BRD4 is on the minus strand). VCF-style: chr19-15253653-C-T. GRCh37 (hg19) VCF-style: chr19-15364464-C-T.
Other names: c.2289G>A, p.Pro763= (NM_001330384.2); c.2158+499G>A (NM_058243.3, NM_001379292.1, NM_014299.3).
Identifiers: ClinVar variation 3032667 (VCV003032667.2), dbSNP rs779807389, ClinGen allele CA305798947.

ClinVar aggregate classification (germline): Likely benign (0 of 4 stars; one submission).

Conditions:
BRD4-related disorder. Also called: BRD4-related condition.

Allele frequency attached by ClinVar (database versions not stated): gnomAD 0.00001.
gnomAD v4.1: 14 of 1,597,502 alleles (0.00088%); highest among the groups gnomAD compares: African/African-American, 0.0013%; no homozygotes.

Submission:

PreventionGenetics, part of Exact Sciences
Classification: Likely benign for BRD4-related condition. Last evaluated: 2020-10-12. Review status: no assertion criteria provided. Collection method: clinical testing. Allele origin: germline.
Comment: This variant is classified as likely benign based on ACMG/AMP sequence variant interpretation guidelines (Richards et al. 2015 PMID: 25741868, with internal and published modifications).